The following is an entry in ClinVar:

ClinVar aggregate classification (germline): Uncertain significance (1 of 4 stars; one submission).

Conditions:
Developmental delay with variable intellectual impairment and behavioral abnormalities. Identifiers: MedGen C5193092, MONDO:0032745, OMIM 618430.

Submission:

Neuberg Centre For Genomic Medicine, NCGM
Classification: Uncertain significance for Developmental delay with variable intellectual impairment and behavioral abnormalities. Review status: criteria provided, single submitter. Criteria: ACMG Guidelines, 2015. Collection method: clinical testing. Allele origin: germline. Inheritance: Autosomal dominant inheritance. Affected: yes.
Comment: The observed missense c.742C>G (p.Pro248Ala) variant in TCF20 gene has not been reported previously as a pathogenic variant nor as a benign variant, to our knowledge. The p.Pro248Ala variant is absent in gnomAD Exomes. This variant has not been submitted to the ClinVar database. Multiple lines of computational evidence (Polyphen - Probably damaging, SIFT – Damaging and Mutation Taster - Disease causing) predict a damaging effect on protein structure and function for this variant. The reference amino acid at this position on TCF20 gene is predicted as conserved by GERP++ and PhyloP across 100 vertebrates. The amino acid Pro at position 248 is changed to a Ala changing protein sequence and it might alter its composition and physico-chemical properties. For these reasons, this variant has been classified as Variant of Uncertain Significance (VUS).

NM_001378418.1(TCF20):c.742C>G (p.Pro248Ala)

Gene: TCF20 (transcription factor 20; minus strand). Cytogenetic location: 22q13.2.
Variant type: single nucleotide variant.
Coding change: c.742C>G on transcript NM_001378418.1 (MANE Select); coding-DNA position 742, C replaced by G.
Protein change: p.Pro248Ala; replaces proline 248 with alanine.
Molecular consequence: missense variant.
Genome position (GRCh38, 1-based): chr22:42,214,564, G>C on the plus strand (C>G on the coding strand, the complement: TCF20 is on the minus strand). VCF-style: chr22-42214564-G-C. GRCh37 (hg19) VCF-style: chr22-42610570-G-C.
Other names: c.742C>G, p.Pro248Ala (NM_005650.4, NM_181492.3); short protein forms P248A.
Identifiers: ClinVar variation 3603290 (VCV003603290.1).
Genomic context (GRCh38, chr22:42,214,564, plus strand): 5'-CATTCACATTGTAACTGCCATCATAGCTCTGTCCAGACTGGCTAAAACGCTGTGGTGAAG[G>C]GAAGGAGGAGGAGGAGGAGGAGGAAGCAGAAGACTGATAGTGTTGGCCAAACTGACCCAC-3'
Protein context (NP_001365347.1, residues 238-258): SASSSSSSSF[Pro248Ala]SPQRFSQSGQ